The following is an entry in ClinVar:

NM_001371623.1(TCOF1):c.1845G>A (p.Ser615=)

Gene: TCOF1 (treacle ribosome biogenesis factor 1; plus strand). Cytogenetic location: 5q32.
Variant type: single nucleotide variant.
Coding change: c.1845G>A on transcript NM_001371623.1 (MANE Select); coding-DNA position 1845, G replaced by A.
Protein change: p.Ser615=; no amino-acid change (serine 615 retained).
Molecular consequence: synonymous variant.
Genome position (GRCh38, 1-based): chr5:150,375,861, G>A. VCF-style: chr5-150375861-G-A. GRCh37 (hg19) VCF-style: chr5-149755424-G-A.
Other names: c.1614G>A, p.Ser538= (NM_000356.4, NM_001135245.2); c.1845G>A, p.Ser615= (NM_001008657.3, NM_001135243.2, NM_001135244.2 and 1 more transcripts).
Identifiers: ClinVar variation 713550 (VCV000713550.10), dbSNP rs200075508, ClinGen allele CA3511017.
Genomic context (GRCh38, chr5:150,375,861, plus strand): 5'-AGCCGTCCAGGTCAAGGCTGAAAAGCCCATGGACAACTCGGAGAGCAGCGAGGAGTCATC[G>A]GACAGTGCGGACAGTGAGGAGGCACCAGCAGCCATGACTGCAGCTCAGGTGAGGCCTGGG-3'
Protein context (NP_001358552.1, residues 605-625): MDNSESSEES[Ser615=]DSADSEEAPA

ClinVar aggregate classification (germline): Likely benign. Review status: criteria provided, multiple submitters, no conflicts (2 of 4 stars). 3 submissions from 3 submitters: Likely benign (3). Last evaluated 2025-12-24.

Conditions:
Treacher Collins syndrome 1 (TCS1). Also called: TCOF1-Related Treacher Collins Syndrome. Identifiers: Orphanet 861, MedGen CN315775, MONDO:0007944, OMIM 154500.
TCOF1-related disorder. Also called: TCOF1-related condition.

Allele frequency attached by ClinVar (database versions not stated): gnomAD 0.00014 and 0.00013; ExAC 0.00019; 1000 Genomes Project 0.00020; gnomAD exomes 0.00024 and 0.00012; 1000 Genomes Project 30x 0.00031; ESP Exome Variant Server 0.00008; TOPMed 0.00013.
gnomAD v4.1: 210 of 1,613,708 alleles (0.013%); highest among the groups gnomAD compares: Middle Eastern, 0.016%; no homozygotes.

Submissions (3):

Labcorp Genetics (formerly Invitae), Labcorp
Classification: Likely benign for Treacher Collins syndrome 1. Last evaluated: 2025-12-24. Review status: criteria provided, single submitter. Criteria: Invitae Variant Classification Sherloc (09022015). Collection method: clinical testing. Allele origin: germline.

PreventionGenetics, part of Exact Sciences
Classification: Likely benign for TCOF1-related condition. Last evaluated: 2025-09-26. Review status: criteria provided, single submitter. Criteria: ACMG Guidelines, 2015. Collection method: clinical testing. Allele origin: germline.
Comment: This variant is classified as likely benign based on ACMG/AMP sequence variant interpretation guidelines (Richards et al. 2015 PMID: 25741868, with internal and published modifications).

Blueprint Genetics
Classification: Likely benign. Last evaluated: 2024-07-19. Review status: criteria provided, single submitter. Criteria: ACMG Guidelines, 2015. Collection method: clinical testing. Allele origin: germline.